The following is an entry in ClinVar:

ClinVar aggregate classification (germline): Uncertain significance (1 of 4 stars; one submission).

Conditions:
Familial thoracic aortic aneurysm and aortic dissection (TAAD). Also called: Thoracic aortic aneurysms and dissections. Identifiers: Orphanet 91387, MedGen C4707243, MONDO:0019625.

Submission:

Labcorp Genetics (formerly Invitae), Labcorp
Classification: Uncertain significance for Familial thoracic aortic aneurysm and aortic dissection. Last evaluated: 2020-02-12. Review status: criteria provided, single submitter. Criteria: Invitae Variant Classification Sherloc (09022015). Collection method: clinical testing. Allele origin: germline.
Comment: In summary, the available evidence is currently insufficient to determine the role of this variant in disease. Therefore, it has been classified as a Variant of Uncertain Significance. Algorithms developed to predict the effect of missense changes on protein structure and function are either unavailable or do not agree on the potential impact of this missense change (SIFT: "Not Available"; PolyPhen-2: "Possibly Damaging"; Align-GVGD: "Not Available"). This variant has not been reported in the literature in individuals with SMAD3-related conditions. This variant is not present in population databases (ExAC no frequency). This sequence change replaces lysine with glutamic acid at codon 53 of the SMAD3 protein (p.Lys53Glu). The lysine residue is moderately conserved and there is a small physicochemical difference between lysine and glutamic acid.

NM_005902.4(SMAD3):c.157A>G (p.Lys53Glu)

Gene: SMAD3 (SMAD family member 3; plus strand). Cytogenetic location: 15q22.33.
Variant type: single nucleotide variant.
Coding change: c.157A>G on transcript NM_005902.4 (MANE Select); coding-DNA position 157, A replaced by G.
Protein change: p.Lys53Glu; replaces lysine 53 with glutamic acid.
Molecular consequence: missense variant.
Genome position (GRCh38, 1-based): chr15:67,066,311, A>G. VCF-style: chr15-67066311-A-G. GRCh37 (hg19) VCF-style: chr15-67358649-A-G.
Other names: short protein forms K53E.
Identifiers: ClinVar variation 1053739 (VCV001053739.7), dbSNP rs2140189069, ClinGen allele CA393203019.